The following is an entry in ClinVar:

ClinVar aggregate classification (germline): Uncertain significance. Review status: criteria provided, multiple submitters, no conflicts (2 of 4 stars). 4 submissions from 4 submitters: Uncertain significance (4). Last evaluated 2025-03-13.

Conditions:
Catecholaminergic polymorphic ventricular tachycardia 2. Also called: VENTRICULAR TACHYCARDIA, STRESS-INDUCED POLYMORPHIC 2; CASQ2-Related Catecholaminergic Polymorphic Ventricular Tachycardia. Identifiers: Orphanet 3286, MedGen C2677794, MONDO:0012762, OMIM 611938.
Cardiovascular phenotype. Identifiers: MedGen CN230736.
Catecholaminergic polymorphic ventricular tachycardia 1. Also called: VENTRICULAR TACHYCARDIA, CATECHOLAMINERGIC POLYMORPHIC, 1, WITH OR WITHOUT ATRIAL DYSFUNCTION AND/OR DILATED CARDIOMYOPATHY; VENTRICULAR TACHYCARDIA, STRESS-INDUCED POLYMORPHIC 1; RYR2-Related Catecholaminergic Polymorphic Ventricular Tachycardia. Identifiers: Orphanet 3286, MedGen C1631597, MONDO:0011484, OMIM 604772.
Cardiomyopathy (CMYO). Also called: Cardiomyopathies. Identifiers: Orphanet 167848, MedGen C0878544, MONDO:0004994, HP:0001638. Inheritance: Various modes of inheritance.

Allele frequency attached by ClinVar (database versions not stated): ExAC 0.00001; gnomAD exomes 0.00001; TOPMed 0.00003; gnomAD 0.00004.
gnomAD v4.1: 15 of 1,593,698 alleles (0.00094%); highest among the groups gnomAD compares: African/African-American, 0.01%; no homozygotes.

Submissions (4):

Ambry Genetics
Classification: Uncertain significance for Cardiovascular phenotype. Last evaluated: 2025-03-13. Review status: criteria provided, single submitter. Criteria: Ambry Variant Classification Scheme 2023. Collection method: clinical testing. Allele origin: germline.
Comment: The p.R251C variant (also known as c.751C>T), located in coding exon 7 of the CASQ2 gene, results from a C to T substitution at nucleotide position 751. The arginine at codon 251 is replaced by cysteine, an amino acid with highly dissimilar properties. This amino acid position is conserved. In addition, the in silico prediction for this alteration is inconclusive. Since supporting evidence is limited at this time, the clinical significance of this alteration remains unclear.

Genome-Nilou Lab
Classification: Uncertain significance for Catecholaminergic polymorphic ventricular tachycardia 2. Last evaluated: 2023-04-11. Review status: criteria provided, single submitter. Criteria: ACMG Guidelines, 2015. Collection method: clinical testing. Allele origin: germline. Affected: no.

Labcorp Genetics (formerly Invitae), Labcorp
Classification: Uncertain significance for Catecholaminergic polymorphic ventricular tachycardia 1. Last evaluated: 2022-01-17. Review status: criteria provided, single submitter. Criteria: Invitae Variant Classification Sherloc (09022015). Collection method: clinical testing. Allele origin: germline.
Comment: This sequence change replaces arginine, which is basic and polar, with cysteine, which is neutral and slightly polar, at codon 251 of the CASQ2 protein (p.Arg251Cys). The frequency data for this variant in the population databases is considered unreliable, as metrics indicate poor data quality at this position in the gnomAD database. This variant has not been reported in the literature in individuals affected with CASQ2-related conditions. ClinVar contains an entry for this variant (Variation ID: 915584). Algorithms developed to predict the effect of missense changes on protein structure and function (SIFT, PolyPhen-2, Align-GVGD) all suggest that this variant is likely to be disruptive. In summary, the available evidence is currently insufficient to determine the role of this variant in disease. Therefore, it has been classified as a Variant of Uncertain Significance.

CHEO Genetics Diagnostic Laboratory, Children's Hospital of Eastern Ontario
Classification: Uncertain significance for Cardiomyopathy. Last evaluated: 2019-03-07. Review status: criteria provided, single submitter. Criteria: ACMG Guidelines, 2015. Collection method: clinical testing. Allele origin: germline.

NM_001232.4(CASQ2):c.751C>T (p.Arg251Cys)

Gene: CASQ2 (calsequestrin 2; minus strand). Cytogenetic location: 1p13.1.
Variant type: single nucleotide variant.
Coding change: c.751C>T on transcript NM_001232.4 (MANE Select); coding-DNA position 751, C replaced by T.
Protein change: p.Arg251Cys; replaces arginine 251 with cysteine.
Molecular consequence: missense variant.
Genome position (GRCh38, 1-based): chr1:115,725,540, G>A on the plus strand (C>T on the coding strand, the complement: CASQ2 is on the minus strand). VCF-style: chr1-115725540-G-A. GRCh37 (hg19) VCF-style: chr1-116268161-G-A.
Other names: short protein forms R251C.
Identifiers: ClinVar variation 915584 (VCV000915584.7), dbSNP rs781113955, ClinGen allele CA1023763.
Genomic context (GRCh38, chr1:115,725,540, plus strand): 5'-AGGCAAAGAGAGTTTGCCTCTTTCTTACCCATGTTTCAAACATTTCTTCTGGGCGCAGGC[G>A]ACGTAGAGTGGGTCTGGAAAAAAAAAAAAAAAAAAAAAAAGAAAGAGCTTCCTTGAGTAG-3'
Protein context (NP_001223.2, residues 241-261): VKEHQRPTLR[Arg251Cys]LRPEEMFETW